The following is an entry in ClinVar:

NM_002907.4(RECQL):c.878A>C (p.Lys293Thr)

Gene: RECQL (RecQ like helicase; minus strand). Cytogenetic location: 12p12.1.
Variant type: single nucleotide variant.
Coding change: c.878A>C on transcript NM_002907.4 (MANE Select); coding-DNA position 878, A replaced by C.
Protein change: p.Lys293Thr; replaces lysine 293 with threonine.
Molecular consequence: missense variant.
Genome position (GRCh38, 1-based): chr12:21,476,982, T>G on the plus strand (A>C on the coding strand, the complement: RECQL is on the minus strand). VCF-style: chr12-21476982-T-G. GRCh37 (hg19) VCF-style: chr12-21629916-T-G.
Other names: c.878A>C, p.Lys293Thr (NM_032941.3); short protein forms K293T.
Identifiers: ClinVar variation 3222993 (VCV003222993.1), dbSNP rs2540352379, ClinGen allele CA384123140.

ClinVar aggregate classification (germline): Uncertain significance (1 of 4 stars; one submission).

Submission:

Ambry Genetics
Classification: Uncertain significance. Last evaluated: 2024-01-25. Review status: criteria provided, single submitter. Criteria: Ambry Variant Classification Scheme 2023. Collection method: clinical testing. Allele origin: germline.
Comment: The p.K293T variant (also known as c.878A>C), located in coding exon 7 of the RECQL gene, results from an A to C substitution at nucleotide position 878. The lysine at codon 293 is replaced by threonine, an amino acid with similar properties. This amino acid position is conserved. In addition, this alteration is predicted to be deleterious by in silico analysis. Based on the available evidence, the clinical significance of this alteration remains unclear.